The following is an entry in ClinVar:

NM_006063.3(KLHL41):c.1416dup (p.Gly473fs)

Gene: KLHL41 (kelch like family member 41; plus strand). Cytogenetic location: 2q31.1.
Variant type: Duplication.
Coding change: c.1416dup on transcript NM_006063.3 (MANE Select); coding-DNA position 1416, one base duplicated (A; older notation c.1416dupA).
Protein change: p.Gly473fs; shifts the reading frame from glycine 473.
Molecular consequence: frameshift variant.
Genome position (GRCh38, 1-based): chr2:169,518,229, A duplicated; the last of 6 consecutive A bases (chr2:169,518,224-169,518,229); duplicating any one gives the same sequence. VCF-style (leftmost placement, unchanged base first): chr2-169518223-C-CA. GRCh37 (hg19) VCF-style: chr2-170374733-C-CA.
Other names: c.1416dupA (NM_006063.2); short protein forms G473fs.
Identifiers: ClinVar variation 1324628 (VCV001324628.11), dbSNP rs749464576, ClinGen allele CA1956680.

ClinVar aggregate classification (germline): Pathogenic/Likely pathogenic. Review status: criteria provided, multiple submitters, no conflicts (2 of 4 stars). 3 submissions from 3 submitters: Pathogenic (1); Likely pathogenic (1). 1 of the submissions does not count toward it. Last evaluated 2025-07-03.

Conditions:
KLHL41-related disorder. Also called: KLHL41-related condition.
Nemaline myopathy 9 (NEM9). Identifiers: MedGen C3810384, MONDO:0014326, OMIM 615731.

Submissions (3):

Labcorp Genetics (formerly Invitae), Labcorp
Classification: Pathogenic for Nemaline myopathy 9. Last evaluated: 2025-07-03. Review status: criteria provided, single submitter. Criteria: Invitae Variant Classification Sherloc (09022015). Collection method: clinical testing. Allele origin: germline.
Comment: This sequence change creates a premature translational stop signal (p.Gly473Argfs*22) in the KLHL41 gene. It is expected to result in an absent or disrupted protein product. Loss-of-function variants in KLHL41 are known to be pathogenic (PMID: 24268659). This variant is present in population databases (rs749464576, gnomAD 0.005%). This variant has not been reported in the literature in individuals affected with KLHL41-related conditions. ClinVar contains an entry for this variant (Variation ID: 1324628). For these reasons, this variant has been classified as Pathogenic.

Revvity Omics, Revvity
Classification: Likely pathogenic for Nemaline myopathy 9. Last evaluated: 2021-02-06. Review status: criteria provided, single submitter. Criteria: ACMG Guidelines, 2015. Collection method: clinical testing. Allele origin: germline.

PreventionGenetics, part of Exact Sciences
Classification: Likely pathogenic for KLHL41-related condition. Last evaluated: 2023-12-19. Review status: no assertion criteria provided. Collection method: clinical testing. Allele origin: germline. Not counted in ClinVar's aggregate classification.
Comment: The KLHL41 c.1416dupA variant is predicted to result in a frameshift and premature protein termination (p.Gly473Argfs*22). To our knowledge, this variant has not been reported in the literature. This variant is reported in 0.0054% of alleles in individuals of European (Non-Finnish) descent in gnomAD. Frameshift variants in KLHL41 are expected to be pathogenic. This variant is interpreted as likely pathogenic.

Literature cited by the submitters: PubMed 24268659 (cited by Labcorp Genetics (formerly Invitae), Labcorp).